The following is an entry in ClinVar:

NM_003036.4(SKI):c.1767+6C>T

Gene: SKI (SKI proto-oncogene; plus strand). Cytogenetic location: 1p36.32.
Variant type: single nucleotide variant.
Coding change: c.1767+6C>T on transcript NM_003036.4 (MANE Select); 6 bases into the intron after coding-DNA position 1767, C replaced by T.
Molecular consequence: intron variant.
Genome position (GRCh38, 1-based): chr1:2,304,591, C>T. VCF-style: chr1-2304591-C-T. GRCh37 (hg19) VCF-style: chr1-2236030-C-T.
Identifiers: ClinVar variation 239476 (VCV000239476.8), dbSNP rs780191562, ClinGen allele CA536778.

ClinVar aggregate classification (germline): Uncertain significance (1 of 4 stars; one submission).

Conditions:
Shprintzen-Goldberg syndrome (SGS). Also called: CRANIOSYNOSTOSIS WITH ARACHNODACTYLY AND ABDOMINAL HERNIAS; Marfanoid disorder with craniosynostosis type 1; Marfanoid craniosynostosis syndrome; Shprintzen-Goldberg marfanoid syndrome; SHPRINTZEN-GOLDBERG CRANIOSYNOSTOSIS SYNDROME. Identifiers: Orphanet 2462, MedGen C1321551, MONDO:0008426, OMIM 182212.

Allele frequency attached by ClinVar (database versions not stated): TOPMed below 0.00001; gnomAD exomes 0.00001; ExAC below 0.00001.
gnomAD v4.1: 18 of 1,546,060 alleles (0.0012%); highest among the groups gnomAD compares: Middle Eastern, 0.017%; no homozygotes.

Submission:

Labcorp Genetics (formerly Invitae), Labcorp
Classification: Uncertain significance for Shprintzen-Goldberg syndrome. Last evaluated: 2025-11-17. Review status: criteria provided, single submitter. Criteria: Invitae Variant Classification Sherloc (09022015). Collection method: clinical testing. Allele origin: germline.
Comment: This sequence change falls in intron 5 of the SKI gene. It does not directly change the encoded amino acid sequence of the SKI protein. It affects a nucleotide within the consensus splice site. The frequency data for this variant in the population databases is considered unreliable, as metrics indicate poor data quality at this position in the gnomAD database. This variant has not been reported in the literature in individuals affected with SKI-related conditions. ClinVar contains an entry for this variant (Variation ID: 239476). Variants that disrupt the consensus splice site are a relatively common cause of aberrant splicing (PMID: 17576681, 9536098). Algorithms developed to predict the effect of sequence changes on RNA splicing suggest that this variant is not likely to affect RNA splicing. In summary, the available evidence is currently insufficient to determine the role of this variant in disease. Therefore, it has been classified as a Variant of Uncertain Significance.

Literature cited by the submitters: PubMed 17576681; PubMed 9536098.